The following is an entry in ClinVar:

ClinVar aggregate classification (germline): Uncertain significance. Review status: criteria provided, multiple submitters, no conflicts (2 of 4 stars). 4 submissions from 4 submitters: Uncertain significance (4). Last evaluated 2025-12-29.

Conditions:
Renal cell carcinoma. Identifiers: Orphanet 217071, MedGen C0007134, MeSH D002292, MONDO:0005086, HP:0005584.
Hereditary cancer-predisposing syndrome. Also called: Neoplastic Syndromes, Hereditary; Tumor predisposition; Hereditary neoplastic syndrome; Hereditary Cancer Syndrome. Identifiers: Orphanet 140162, MedGen C0027672, MeSH D009386, MONDO:0015356.

Allele frequency attached by ClinVar (database versions not stated): gnomAD exomes below 0.00001; gnomAD 0.00001; TOPMed 0.00001.
gnomAD v4.1: 10 of 1,614,008 alleles (0.00062%); highest among the groups gnomAD compares: East Asian, 0.0022%; no homozygotes.

Submissions (4):

Center for Genomic Medicine, Rigshospitalet, Copenhagen University Hospital
Classification: Uncertain significance. Last evaluated: 2025-12-29. Review status: criteria provided, single submitter. Criteria: ACMG Guidelines, 2015. Collection method: clinical testing. Allele origin: germline.

Ambry Genetics
Classification: Uncertain significance for Hereditary cancer-predisposing syndrome. Last evaluated: 2025-05-30. Review status: criteria provided, single submitter. Criteria: Ambry Variant Classification Scheme 2023. Collection method: clinical testing. Allele origin: germline.
Comment: The p.R1345H variant (also known as c.4034G>A), located in coding exon 20 of the MET gene, results from a G to A substitution at nucleotide position 4034. The arginine at codon 1345 is replaced by histidine, an amino acid with highly similar properties. This amino acid position is highly conserved in available vertebrate species. In addition, this alteration is predicted to be deleterious by in silico analysis. Based on the available evidence, the clinical significance of this variant remains unclear.

Labcorp Genetics (formerly Invitae), Labcorp
Classification: Uncertain significance for Renal cell carcinoma. Last evaluated: 2024-08-08. Review status: criteria provided, single submitter. Criteria: Invitae Variant Classification Sherloc (09022015). Collection method: clinical testing. Allele origin: germline.
Comment: This sequence change replaces arginine, which is basic and polar, with histidine, which is basic and polar, at codon 1345 of the MET protein (p.Arg1345His). This variant is present in population databases (no rsID available, gnomAD 0.006%). This variant has not been reported in the literature in individuals affected with MET-related conditions. ClinVar contains an entry for this variant (Variation ID: 824527). Advanced modeling of protein sequence and biophysical properties (such as structural, functional, and spatial information, amino acid conservation, physicochemical variation, residue mobility, and thermodynamic stability) performed at Invitae indicates that this missense variant is expected to disrupt MET protein function with a positive predictive value of 80%. In summary, the available evidence is currently insufficient to determine the role of this variant in disease. Therefore, it has been classified as a Variant of Uncertain Significance.

GeneDx
Classification: Uncertain significance. Last evaluated: 2023-07-06. Review status: criteria provided, single submitter. Criteria: GeneDx Variant Classification Process June 2021. Collection method: clinical testing. Allele origin: germline. Affected: yes.
Comment: Not observed at significant frequency in large population cohorts (gnomAD); In silico analysis supports that this missense variant has a deleterious effect on protein structure/function; Has not been previously published as pathogenic or benign to our knowledge; This variant is associated with the following publications: (PMID: 27324988)

NM_000245.4(MET):c.3980G>A (p.Arg1327His)

Gene: MET (MET proto-oncogene, receptor tyrosine kinase; plus strand). Cytogenetic location: 7q31.2.
Variant type: single nucleotide variant.
Coding change: c.3980G>A on transcript NM_000245.4 (MANE Select); coding-DNA position 3980, G replaced by A.
Protein change: p.Arg1327His; replaces arginine 1327 with histidine.
Molecular consequence: missense variant.
Genome position (GRCh38, 1-based): chr7:116,795,931, G>A. VCF-style: chr7-116795931-G-A. GRCh37 (hg19) VCF-style: chr7-116435985-G-A.
Other names: c.4034G>A, p.Arg1345His (NM_001127500.3); c.2690G>A, p.Arg897His (NM_001324402.2); short protein forms R1327H, R897H, R1345H.
Identifiers: ClinVar variation 824527 (VCV000824527.15), dbSNP rs1443741792, ClinGen allele CA369118147.